The following is an entry in ClinVar:

NM_001367561.1(DOCK7):c.6247A>G (p.Ile2083Val)

Gene: DOCK7 (dedicator of cytokinesis 7; minus strand). Cytogenetic location: 1p31.3.
Variant type: single nucleotide variant.
Coding change: c.6247A>G on transcript NM_001367561.1 (MANE Select); coding-DNA position 6247, A replaced by G.
Protein change: p.Ile2083Val; replaces isoleucine 2083 with valine.
Molecular consequence: missense variant.
Genome position (GRCh38, 1-based): chr1:62,457,671, T>C on the plus strand (A>G on the coding strand, the complement: DOCK7 is on the minus strand). VCF-style: chr1-62457671-T-C. GRCh37 (hg19) VCF-style: chr1-62923342-T-C.
Other names: c.6214A>G, p.Ile2072Val (NM_001271999.2); c.6127A>G, p.Ile2043Val (NM_001272000.2); c.6121A>G, p.Ile2041Val (NM_001272001.2); c.6220A>G, p.Ile2074Val (NM_001330614.2); c.6154A>G, p.Ile2052Val (NM_033407.4); short protein forms I2083V, I2052V, I2074V, I2041V, I2072V, I2043V.
Identifiers: ClinVar variation 963130 (VCV000963130.5), dbSNP rs367781797, ClinGen allele CA885252.

ClinVar aggregate classification (germline): Uncertain significance (1 of 4 stars; one submission).

Conditions:
Developmental and epileptic encephalopathy, 23 (DEE23). Also called: Epileptic encephalopathy, early infantile, 23. Identifiers: Orphanet 411986, MedGen C4014492, MONDO:0014371, OMIM 615859.

Allele frequency attached by ClinVar (database versions not stated): gnomAD exomes below 0.00001 and 0.00001; ExAC 0.00002; TOPMed 0.00002; ESP Exome Variant Server 0.00008.
gnomAD v4.1: 2 of 1,613,832 alleles (0.00012%); highest among the groups gnomAD compares: African/African-American, 0.0027%; no homozygotes.

Submission:

Labcorp Genetics (formerly Invitae), Labcorp
Classification: Uncertain significance for Developmental and epileptic encephalopathy, 23. Last evaluated: 2021-12-06. Review status: criteria provided, single submitter. Criteria: Invitae Variant Classification Sherloc (09022015). Collection method: clinical testing. Allele origin: germline.
Comment: This sequence change replaces isoleucine, which is neutral and non-polar, with valine, which is neutral and non-polar, at codon 2072 of the DOCK7 protein (p.Ile2072Val). This variant is present in population databases (rs367781797, gnomAD 0.02%). This variant has not been reported in the literature in individuals affected with DOCK7-related conditions. ClinVar contains an entry for this variant (Variation ID: 963130). Algorithms developed to predict the effect of missense changes on protein structure and function are either unavailable or do not agree on the potential impact of this missense change (SIFT: "Deleterious"; PolyPhen-2: "Benign"; Align-GVGD: "Class C25"). In summary, the available evidence is currently insufficient to determine the role of this variant in disease. Therefore, it has been classified as a Variant of Uncertain Significance.